The following is an entry in ClinVar:

NM_001111.5(ADAR):c.1735G>A (p.Gly579Arg)

Gene: ADAR (adenosine deaminase RNA specific; minus strand). Cytogenetic location: 1q21.3.
Variant type: single nucleotide variant.
Coding change: c.1735G>A on transcript NM_001111.5 (MANE Select); coding-DNA position 1735, G replaced by A.
Protein change: p.Gly579Arg; replaces glycine 579 with arginine.
Molecular consequence: missense variant.
Genome position (GRCh38, 1-based): chr1:154,598,452, C>T on the plus strand (G>A on the coding strand, the complement: ADAR is on the minus strand). VCF-style: chr1-154598452-C-T. GRCh37 (hg19) VCF-style: chr1-154570928-C-T.
Other names: c.850G>A, p.Gly284Arg (NM_001025107.3, NM_001193495.2, NM_001365046.1 and 3 more transcripts); c.1762G>A, p.Gly588Arg (NM_001365045.1); c.1735G>A, p.Gly579Arg (NM_015840.4, NM_015841.4); short protein forms G284R, G579R, G588R.
Identifiers: ClinVar variation 1355304 (VCV001355304.8), dbSNP rs2101626436, ClinGen allele CA342639392.

ClinVar aggregate classification (germline): Uncertain significance (1 of 4 stars; one submission).

Conditions:
Symmetrical dyschromatosis of extremities (DSH). Also called: Dyschromatosis symmetrica hereditaria; DYSCHROMATOSIS SYMMETRICA HEREDITARIA 1; RETICULATE ACROPIGMENTATION OF DOHI; SYMMETRIC DYSCHROMATOSIS OF THE EXTREMITIES. Identifiers: Orphanet 41, MedGen C0406775, MONDO:0007483, OMIM 127400.
Aicardi-Goutieres syndrome 6 (AGS6). Identifiers: Orphanet 51, MedGen C3539013, MONDO:0014007, OMIM 615010.

Submission:

Labcorp Genetics (formerly Invitae), Labcorp
Classification: Uncertain significance for Aicardi-Goutieres syndrome 6; Symmetrical dyschromatosis of extremities. Last evaluated: 2020-12-14. Review status: criteria provided, single submitter. Criteria: Invitae Variant Classification Sherloc (09022015). Collection method: clinical testing. Allele origin: germline.
Comment: In summary, the available evidence is currently insufficient to determine the role of this variant in disease. Therefore, it has been classified as a Variant of Uncertain Significance. Algorithms developed to predict the effect of missense changes on protein structure and function are either unavailable or do not agree on the potential impact of this missense change (SIFT: "Tolerated"; PolyPhen-2: "Possibly Damaging"; Align-GVGD: "Class C0"). This variant has not been reported in the literature in individuals with ADAR-related conditions. This variant is not present in population databases (ExAC no frequency). This sequence change replaces glycine with arginine at codon 579 of the ADAR protein (p.Gly579Arg). The glycine residue is moderately conserved and there is a moderate physicochemical difference between glycine and arginine.